The following is an entry in ClinVar:

NM_197968.4(ZMYM2):c.944dup (p.Gln316fs)

Gene: ZMYM2 (zinc finger MYM-type containing 2; plus strand). Cytogenetic location: 13q12.11.
Variant type: Duplication.
Coding change: c.944dup on transcript NM_197968.4 (MANE Select); coding-DNA position 944, one base duplicated (T; older notation c.944dupT).
Protein change: p.Gln316fs; shifts the reading frame from glutamine 316.
Molecular consequence: frameshift variant. On other transcripts: non-coding transcript variant (1).
Genome position (GRCh38, 1-based): chr13:20,002,946, T duplicated; the last of 4 consecutive T bases (chr13:20,002,943-20,002,946); duplicating any one gives the same sequence. VCF-style (leftmost placement, unchanged base first): chr13-20002942-A-AT. GRCh37 (hg19) VCF-style: chr13-20577082-A-AT.
Other names: c.944dup, p.Gln316fs (NM_001190964.4, NM_001190965.4, NM_001353157.2 and 5 more transcripts); c.749dup, p.Gln251fs (NM_001353161.3); c.683dup, p.Gln229fs (NM_001353163.2); short protein forms Q229fs, Q251fs, Q316fs.
Identifiers: ClinVar variation 3899871 (VCV003899871.1).

ClinVar aggregate classification (germline): Pathogenic (1 of 4 stars; one submission).

Conditions:
Neurodevelopmental-craniofacial syndrome with variable renal and cardiac abnormalities. Identifiers: MedGen C5561984, MONDO:0859190, OMIM 619522.

Submission:

Genetics Department, Catlab
Classification: Pathogenic for Neurodevelopmental-craniofacial syndrome with variable renal and cardiac abnormalities. Last evaluated: 2025-03-18. Review status: criteria provided, single submitter. Criteria: ACMG Guidelines, 2015. Collection method: clinical testing. Allele origin: germline. Affected: yes. Observed: 1 variant allele.
Comment: The c.944dup variant in the ZMYM2 gene is a loss of function variant predicted to undergo nonsense mediated decay, and loss of function variants have been described as a causing mechanism for the gene (PVS1). The variant is not present in the gnomAD database (PM2). With all the available evidence, the variant is classified as likely pathogenic.